The following is an entry in ClinVar:

ClinVar aggregate classification (germline): Benign (1 of 4 stars; one submission).

Allele frequency attached by ClinVar (database versions not stated): gnomAD 0.00006; TOPMed 0.00006.

Submission:

GeneDx
Classification: Benign. Last evaluated: 2015-03-09. Review status: criteria provided, single submitter. Criteria: GeneDx Variant Classification (06012015). Collection method: clinical testing. Allele origin: germline. Affected: yes.
Comment: This variant is considered likely benign or benign based on one or more of the following criteria: it is a conservative change, it occurs at a poorly conserved position in the protein, it is predicted to be benign by multiple in silico algorithms, and/or has population frequency not consistent with disease.

NM_000051.4(ATM):c.-31+8C>T

Gene: ATM (ATM serine/threonine kinase; plus strand). Cytogenetic location: 11q22.3.
Variant type: single nucleotide variant.
Coding change: c.-31+8C>T on transcript NM_000051.4 (MANE Select); 8 bases into the intron after 31 bases upstream of the start codon, C replaced by T.
Molecular consequence: intron variant.
Genome position (GRCh38, 1-based): chr11:108,223,194, C>T. VCF-style: chr11-108223194-C-T. GRCh37 (hg19) VCF-style: chr11-108093921-C-T.
Other names: c.-119+8C>T (NM_001351834.2); c.-31+8C>T (NM_001351835.2).
Identifiers: ClinVar variation 516454 (VCV000516454.1), dbSNP rs909647503, ClinGen allele CA228364489.